The following is an entry in ClinVar:

NM_000489.6(ATRX):c.5162del (p.Gly1721fs)

Gene: ATRX (ATRX chromatin remodeler; minus strand). Cytogenetic location: Xq21.1.
Variant type: Deletion.
Coding change: c.5162del on transcript NM_000489.6 (MANE Select); coding-DNA position 5162, one base deleted (G; older notation c.5162delG).
Protein change: p.Gly1721fs; shifts the reading frame from glycine 1721.
Molecular consequence: frameshift variant.
Genome position (GRCh38, 1-based): chrX:77,620,505, C deleted on the plus strand (G on the coding strand, the reverse complement: ATRX is on the minus strand); the first of 2 consecutive C bases (chrX:77,620,505-77,620,506); deleting either gives the same sequence. VCF-style (leftmost placement, unchanged base first): chrX-77620504-GC-G. GRCh37 (hg19) VCF-style: chrX-76875972-GC-G.
Other names: c.5048del, p.Gly1683fs (NM_138270.5); c.5162delG (NM_000489.6); short protein forms G1683fs, G1721fs.
Identifiers: ClinVar variation 4685458 (VCV004685458.1).

ClinVar aggregate classification (oncogenicity): Likely oncogenic (1 of 4 stars; one submission).

Conditions:
Neuroblastoma (NB). Identifiers: Orphanet 635, MedGen C0027819, MeSH D009447, MONDO:0005072, HP:0003006.

Submission:

Research Institute for Clinical Oncology, Saitama Cancer Center
Classification: Likely oncogenic for Neuroblastoma. Last evaluated: 2023-07-01. Review status: criteria provided, single submitter. Criteria: ClinGen/CGC/VICC Guidelines for Oncogenicity, 2022. Collection method: research. Allele origin: somatic. Affected: yes. Observed: 1 variant allele.
Comment: This variant is a frameshift deletion predicted to result in truncation of the ATRX protein and loss of normal function. Loss-of-function variants in ATRX are well established as contributors to alternative lengthening of telomeres (ALT) in neuroblastoma. In the absence of variant-specific functional validation, the predicted truncating effect and the established gene–disease association support classification of this variant as likely oncogenic.